The following is an entry in ClinVar:

NM_000094.4(COL7A1):c.1970C>G (p.Pro657Arg)

Gene: COL7A1 (collagen type VII alpha 1 chain; minus strand). Cytogenetic location: 3p21.31.
Variant type: single nucleotide variant.
Coding change: c.1970C>G on transcript NM_000094.4 (MANE Select); coding-DNA position 1970, C replaced by G.
Protein change: p.Pro657Arg; replaces proline 657 with arginine.
Molecular consequence: missense variant.
Genome position (GRCh38, 1-based): chr3:48,590,293, G>C on the plus strand (C>G on the coding strand, the complement: COL7A1 is on the minus strand). VCF-style: chr3-48590293-G-C. GRCh37 (hg19) VCF-style: chr3-48627726-G-C.
Other names: c.1970C>G (NM_000094.3); short protein forms P657R.
Identifiers: ClinVar variation 444601 (VCV000444601.49), dbSNP rs369972686, ClinGen allele CA2381049.

ClinVar aggregate classification (germline): Uncertain significance. Review status: criteria provided, multiple submitters, no conflicts (2 of 4 stars). 5 submissions from 5 submitters: Uncertain significance (5). Last evaluated 2026-05-23.

Conditions:
COL7A1-related disorder. Also called: COL7A1- related disorders; COL7A1-related condition.

Allele frequency attached by ClinVar (database versions not stated): gnomAD exomes 0.00001; ExAC 0.00002; gnomAD 0.00003; TOPMed 0.00004; ESP Exome Variant Server 0.00008.
gnomAD v4.1: 13 of 1,613,938 alleles (0.00081%); highest among the groups gnomAD compares: African/African-American, 0.004%; no homozygotes.

Submissions (5):

PreventionGenetics, part of Exact Sciences
Classification: Uncertain significance for COL7A1-related condition. Last evaluated: 2026-05-23. Review status: criteria provided, single submitter. Criteria: ACMG Guidelines, 2015. Collection method: clinical testing. Allele origin: germline.
Comment: The COL7A1 c.1970C>G variant is predicted to result in the amino acid substitution p.Pro657Arg. To our knowledge, this variant has not been reported in the literature. This variant is reported in 0.0031% of alleles in individuals of European (Non-Finnish) descent in gnomAD. At this time, the clinical significance of this variant is uncertain due to the absence of conclusive functional and genetic evidence.

Women's Health and Genetics/Laboratory Corporation of America, LabCorp
Classification: Uncertain significance. Last evaluated: 2026-04-14. Review status: criteria provided, single submitter. Criteria: LabCorp Variant Classification Summary - May 2015. Collection method: clinical testing. Allele origin: germline.

Labcorp Genetics (formerly Invitae), Labcorp
Classification: Uncertain significance. Last evaluated: 2025-02-25. Review status: criteria provided, single submitter. Criteria: Invitae Variant Classification Sherloc (09022015). Collection method: clinical testing. Allele origin: germline.
Comment: This sequence change replaces proline, which is neutral and non-polar, with arginine, which is basic and polar, at codon 657 of the COL7A1 protein (p.Pro657Arg). This variant is present in population databases (rs369972686, gnomAD 0.003%). This variant has not been reported in the literature in individuals affected with COL7A1-related conditions. ClinVar contains an entry for this variant (Variation ID: 444601). Invitae Evidence Modeling of protein sequence and biophysical properties (such as structural, functional, and spatial information, amino acid conservation, physicochemical variation, residue mobility, and thermodynamic stability) indicates that this missense variant is not expected to disrupt COL7A1 protein function with a negative predictive value of 95%. In summary, the available evidence is currently insufficient to determine the role of this variant in disease. Therefore, it has been classified as a Variant of Uncertain Significance.

Blueprint Genetics
Classification: Uncertain significance. Last evaluated: 2024-10-02. Review status: criteria provided, single submitter. Criteria: ACMG Guidelines, 2015. Collection method: clinical testing. Allele origin: germline.

CeGaT Center for Human Genetics Tuebingen
Classification: Uncertain significance. Last evaluated: 2017-05-01. Review status: criteria provided, single submitter. Criteria: CeGaT Center For Human Genetics Tuebingen Variant Classification Criteria Version 2. Collection method: clinical testing. Allele origin: germline. Affected: yes. Observed: 1 variant allele.